The following is an entry in ClinVar:

NM_006445.4(PRPF8):c.571A>G (p.Ile191Val)

Gene: PRPF8 (pre-mRNA processing factor 8; minus strand). Cytogenetic location: 17p13.3.
Variant type: single nucleotide variant.
Coding change: c.571A>G on transcript NM_006445.4 (MANE Select); coding-DNA position 571, A replaced by G.
Protein change: p.Ile191Val; replaces isoleucine 191 with valine.
Molecular consequence: missense variant.
Genome position (GRCh38, 1-based): chr17:1,681,902, T>C on the plus strand (A>G on the coding strand, the complement: PRPF8 is on the minus strand). VCF-style: chr17-1681902-T-C. GRCh37 (hg19) VCF-style: chr17-1585196-T-C.
Other names: short protein forms I191V.
Identifiers: ClinVar variation 1313128 (VCV001313128.2), dbSNP rs1015837182, ClinGen allele CA286816785.

ClinVar aggregate classification (germline): Uncertain significance (1 of 4 stars; one submission).

Submission:

GeneDx
Classification: Uncertain significance. Last evaluated: 2021-06-04. Review status: criteria provided, single submitter. Criteria: GeneDx Variant Classification Process June 2021. Collection method: clinical testing. Allele origin: germline. Affected: yes.
Comment: Not observed at significant frequency in large population cohorts (Lek et al., 2016); In silico analysis supports that this missense variant does not alter protein structure/function; Has not been previously published as pathogenic or benign to our knowledge; This variant is associated with the following publications: (PMID: 27535533)